The following is an entry in ClinVar:

NM_006206.6(PDGFRA):c.807C>G (p.Ile269Met)

Gene: PDGFRA (platelet derived growth factor receptor alpha; plus strand). Cytogenetic location: 4q12.
Variant type: single nucleotide variant.
Coding change: c.807C>G on transcript NM_006206.6 (MANE Select); coding-DNA position 807, C replaced by G.
Protein change: p.Ile269Met; replaces isoleucine 269 with methionine.
Molecular consequence: missense variant.
Genome position (GRCh38, 1-based): chr4:54,267,336, C>G. VCF-style: chr4-54267336-C-G. GRCh37 (hg19) VCF-style: chr4-55133503-C-G.
Other names: c.807C>G, p.Ile269Met (NM_001347827.2, NM_001347829.2); c.882C>G, p.Ile294Met (NM_001347828.2); c.846C>G, p.Ile282Met (NM_001347830.2); short protein forms I269M, I282M, I294M.
Identifiers: ClinVar variation 3225318 (VCV003225318.2), dbSNP rs1553903217, ClinGen allele CA356891150.
Genomic context (GRCh38, chr4:54,267,336, plus strand): 5'-CCTTTTGCTGTAGAAAGGCAAAGGCATCACAATGCTGGAAGAAATCAAAGTCCCATCCAT[C>G]AAATTGGTGTACACTTTGACGGTCCCCGAGGCCACGGTGAAAGACAGTGGAGATTACGAA-3'
Protein context (NP_006197.1, residues 259-279): TMLEEIKVPS[Ile269Met]KLVYTLTVPE

ClinVar aggregate classification (germline): Conflicting classifications of pathogenicity. Review status: criteria provided, conflicting classifications (1 of 4 stars). 2 submissions from 2 submitters: Uncertain significance (1); Likely benign (1). Last evaluated 2025-07-17.

Conditions:
Hereditary cancer-predisposing syndrome. Also called: Neoplastic Syndromes, Hereditary; Tumor predisposition; Hereditary neoplastic syndrome; Hereditary Cancer Syndrome. Identifiers: Orphanet 140162, MedGen C0027672, MeSH D009386, MONDO:0015356.

Submissions (2):

Laboratorio de I+D, Fundación Centro Médico de Asturias
Classification: Likely benign for Hereditary cancer-predisposing syndrome. Last evaluated: 2025-07-17. Review status: criteria provided, single submitter. Criteria: ACMG Guidelines, 2015. Collection method: clinical testing. Allele origin: germline.
Comment: BP4_Strong+BP1+PM2_Supporting

Ambry Genetics
Classification: Uncertain significance for Hereditary cancer-predisposing syndrome. Last evaluated: 2024-03-08. Review status: criteria provided, single submitter. Criteria: Ambry Variant Classification Scheme 2023. Collection method: clinical testing. Allele origin: germline.
Comment: The p.I269M variant (also known as c.807C>G), located in coding exon 5 of the PDGFRA gene, results from a C to G substitution at nucleotide position 807. The isoleucine at codon 269 is replaced by methionine, an amino acid with highly similar properties. This amino acid position is conserved. In addition, this alteration is predicted to be tolerated by in silico analysis. Based on the available evidence, the clinical significance of this alteration remains unclear.